The following is an entry in ClinVar:

NM_015189.3(EXOC6B):c.1750C>T (p.Leu584Phe)

Gene: EXOC6B (exocyst complex component 6B; minus strand). Cytogenetic location: 2p13.2.
Variant type: single nucleotide variant.
Coding change: c.1750C>T on transcript NM_015189.3 (MANE Select); coding-DNA position 1750, C replaced by T.
Protein change: p.Leu584Phe; replaces leucine 584 with phenylalanine.
Molecular consequence: missense variant. On other transcripts: non-coding transcript variant (2), intron variant (2).
Genome position (GRCh38, 1-based): chr2:72,480,666, G>A on the plus strand (C>T on the coding strand, the complement: EXOC6B is on the minus strand). VCF-style: chr2-72480666-G-A. GRCh37 (hg19) VCF-style: chr2-72707795-G-A.
Other names: c.1750C>T, p.Leu584Phe (NM_001321729.2, NM_001321731.2); c.1411C>T, p.Leu471Phe (NM_001321734.2); c.1665+11652C>T (NM_001321733.2, NM_001321730.2); short protein forms L471F, L584F.
Identifiers: ClinVar variation 2057270 (VCV002057270.3), dbSNP rs202137050, ClinGen allele CA1708363.

ClinVar aggregate classification (germline): Uncertain significance. Review status: criteria provided, multiple submitters, no conflicts (2 of 4 stars). 2 submissions from 2 submitters: Uncertain significance (2). Last evaluated 2024-07-21.

Allele frequency attached by ClinVar (database versions not stated): ESP Exome Variant Server 0.00008; TOPMed 0.00012; gnomAD 0.00013; gnomAD exomes 0.00020; ExAC 0.00025.

Submissions (2):

Ambry Genetics
Classification: Uncertain significance. Last evaluated: 2024-07-21. Review status: criteria provided, single submitter. Criteria: Ambry Variant Classification Scheme 2023. Collection method: clinical testing. Allele origin: germline.

Labcorp Genetics (formerly Invitae), Labcorp
Classification: Uncertain significance. Last evaluated: 2022-09-26. Review status: criteria provided, single submitter. Criteria: Invitae Variant Classification Sherloc (09022015). Collection method: clinical testing. Allele origin: germline.
Comment: This sequence change replaces leucine, which is neutral and non-polar, with phenylalanine, which is neutral and non-polar, at codon 584 of the EXOC6B protein (p.Leu584Phe). This variant is present in population databases (rs202137050, gnomAD 0.02%). This variant has not been reported in the literature in individuals affected with EXOC6B-related conditions. Experimental studies and prediction algorithms are not available or were not evaluated, and the functional significance of this variant is currently unknown. In summary, the available evidence is currently insufficient to determine the role of this variant in disease. Therefore, it has been classified as a Variant of Uncertain Significance.